The following is an entry in ClinVar:

NM_018163.3(DNAJC17):c.542A>G (p.Lys181Arg)

Gene: DNAJC17 (DnaJ heat shock protein family (Hsp40) member C17; minus strand). Cytogenetic location: 15q15.1.
Variant type: single nucleotide variant.
Coding change: c.542A>G on transcript NM_018163.3 (MANE Select); coding-DNA position 542, A replaced by G.
Protein change: p.Lys181Arg; replaces lysine 181 with arginine.
Molecular consequence: missense variant.
Genome position (GRCh38, 1-based): chr15:40,775,089, T>C on the plus strand (A>G on the coding strand, the complement: DNAJC17 is on the minus strand). VCF-style: chr15-40775089-T-C. GRCh37 (hg19) VCF-style: chr15-41067287-T-C.
Other names: short protein forms K181R.
Identifiers: ClinVar variation 2800323 (VCV002800323.3), dbSNP rs2504659915, ClinGen allele CA391763400.

ClinVar aggregate classification (germline): Uncertain significance (1 of 4 stars; one submission).

gnomAD v4.1: 2 of 1,614,158 alleles (0.00012%); highest among the groups gnomAD compares: Non-Finnish European, 0.00017%; no homozygotes.

Submission:

Labcorp Genetics (formerly Invitae), Labcorp
Classification: Uncertain significance. Last evaluated: 2022-12-16. Review status: criteria provided, single submitter. Criteria: Invitae Variant Classification Sherloc (09022015). Collection method: clinical testing. Allele origin: germline.
Comment: This variant is not present in population databases (gnomAD no frequency). This variant has not been reported in the literature in individuals affected with DNAJC17-related conditions. Algorithms developed to predict the effect of missense changes on protein structure and function (SIFT, PolyPhen-2, Align-GVGD) all suggest that this variant is likely to be tolerated. In summary, the available evidence is currently insufficient to determine the role of this variant in disease. Therefore, it has been classified as a Variant of Uncertain Significance. This sequence change replaces lysine, which is basic and polar, with arginine, which is basic and polar, at codon 181 of the DNAJC17 protein (p.Lys181Arg).